The following is an entry in ClinVar:

NM_014874.4(MFN2):c.1872+13T>G

Gene: MFN2 (mitofusin 2; plus strand). Cytogenetic location: 1p36.22.
Variant type: single nucleotide variant.
Coding change: c.1872+13T>G on transcript NM_014874.4 (MANE Select); 13 bases into the intron after coding-DNA position 1872, T replaced by G.
Molecular consequence: intron variant.
Genome position (GRCh38, 1-based): chr1:12,006,706, T>G. VCF-style: chr1-12006706-T-G. GRCh37 (hg19) VCF-style: chr1-12066763-T-G.
Other names: c.1872+13T>G (NM_001127660.2).
Identifiers: ClinVar variation 2700108 (VCV002700108.3), dbSNP rs2523095719, ClinGen allele CA2697552186.
Genomic context (GRCh38, chr1:12,006,706, plus strand): 5'-TCCTTGACATCCAGGACCTCCATGGGCATTCTTGTTGTTGGAGGAGTGGTCAGTGACCAG[T>G]TCTGCTCGGGAAGGTGGGGGCGGAGGGCAGGTGGGCGGGGCCTGAGGGCTAGGTTCCTGC-3'

ClinVar aggregate classification (germline): Uncertain significance (1 of 4 stars; one submission).

Conditions:
Charcot-Marie-Tooth disease type 2. Also called: Charcot-Marie-Tooth type 2. Identifiers: Orphanet 64746, MedGen C0270914, MONDO:0018993.

Submission:

Labcorp Genetics (formerly Invitae), Labcorp
Classification: Uncertain significance for Charcot-Marie-Tooth disease type 2. Last evaluated: 2023-12-01. Review status: criteria provided, single submitter. Criteria: Invitae Variant Classification Sherloc (09022015). Collection method: clinical testing. Allele origin: germline.
Comment: This sequence change falls in intron 16 of the MFN2 gene. It does not directly change the encoded amino acid sequence of the MFN2 protein. This variant is not present in population databases (gnomAD no frequency). This variant has not been reported in the literature in individuals affected with MFN2-related conditions. Algorithms developed to predict the effect of sequence changes on RNA splicing suggest that this variant may disrupt the consensus splice site. In summary, the available evidence is currently insufficient to determine the role of this variant in disease. Therefore, it has been classified as a Variant of Uncertain Significance.